The following is an entry in ClinVar:

NM_001080517.3(SETD5):c.651T>G (p.Tyr217Ter)

Gene: SETD5 (SET domain containing 5; plus strand). Cytogenetic location: 3p25.3.
Variant type: single nucleotide variant.
Coding change: c.651T>G on transcript NM_001080517.3 (MANE Select); coding-DNA position 651, T replaced by G.
Protein change: p.Tyr217Ter; replaces tyrosine 217 with a stop codon.
Molecular consequence: nonsense.
Genome position (GRCh38, 1-based): chr3:9,440,539, T>G. VCF-style: chr3-9440539-T-G. GRCh37 (hg19) VCF-style: chr3-9482223-T-G.
Other names: c.357T>G, p.Tyr119Ter (NM_001292043.2, NM_001349451.2); c.651T>G (NM_001080517.2); short protein forms Y119*, Y217*.
Identifiers: ClinVar variation 3064046 (VCV003064046.4), dbSNP rs2472657657, ClinGen allele CA351687344.

ClinVar aggregate classification (germline): Pathogenic/Likely pathogenic. Review status: no assertion criteria provided (0 of 4 stars). 2 submissions from 2 submitters: Pathogenic (1); Likely pathogenic (1). Last evaluated 2025-04-28.

Conditions:
SETD5-related disorder. Also called: SETD5-related disorders; SETD5-related condition.
Intellectual disability-facial dysmorphism syndrome due to SETD5 haploinsufficiency (MRD23). Also called: Intellectual developmental disorder, autosomal dominant 23. Identifiers: Orphanet 404440, MedGen C3810406, MONDO:0014336, OMIM 615761.

Submissions (2):

Molecular Genetics Laboratory, BC Children's and BC Women's Hospitals
Classification: Pathogenic for Intellectual disability-facial dysmorphism syndrome due to SETD5 haploinsufficiency. Last evaluated: 2025-04-28. Review status: no assertion criteria provided. Criteria: ACMG Guidelines, 2015. Collection method: clinical testing. Allele origin: de novo. Affected: yes.

PreventionGenetics, part of Exact Sciences
Classification: Likely pathogenic for SETD5-related condition. Last evaluated: 2024-03-11. Review status: no assertion criteria provided. Collection method: clinical testing. Allele origin: germline.
Comment: The SETD5 c.651T>G variant is predicted to result in premature protein termination (p.Tyr217*). To our knowledge, this variant has not been reported in the literature or in a large population database, indicating this variant is rare. Nonsense variants in SETD5 are expected to be pathogenic. This variant is interpreted as likely pathogenic.